The following is an entry in ClinVar:

NM_144672.4(OTOA):c.493G>A (p.Glu165Lys)

Gene: OTOA (otoancorin). Cytogenetic location: 16p12.2.
Variant type: single nucleotide variant.
Coding change: c.493G>A on transcript NM_144672.4 (MANE Select); coding-DNA position 493, G replaced by A.
Protein change: p.Glu165Lys; replaces glutamic acid 165 with lysine.
Molecular consequence: missense variant.
Genome position (GRCh38, 1-based): chr16:21,687,506, G>A. VCF-style: chr16-21687506-G-A. GRCh37 (hg19) VCF-style: chr16-21698827-G-A.
Other names: c.256G>A, p.Glu86Lys (NM_001161683.2); short protein forms E165K, E86K.
Identifiers: ClinVar variation 3900810 (VCV003900810.1).

ClinVar aggregate classification (germline): Uncertain significance (1 of 4 stars; one submission).

gnomAD v4.1: 1 of 1,613,968 alleles (0.000062%); highest among the groups gnomAD compares: African/African-American, 0.0013%; no homozygotes.

Submission:

GeneDx
Classification: Uncertain significance. Last evaluated: 2024-12-02. Review status: criteria provided, single submitter. Criteria: GeneDx Variant Classification Process June 2021. Collection method: clinical testing. Allele origin: germline. Affected: yes.
Comment: Not observed at significant frequency in large population cohorts (gnomAD); In silico analysis indicates that this missense variant does not alter protein structure/function; Has not been previously published as pathogenic or benign to our knowledge